The following is an entry in ClinVar:

ClinVar aggregate classification (germline): Conflicting classifications of pathogenicity. Review status: criteria provided, conflicting classifications (1 of 4 stars). 3 submissions from 3 submitters: Uncertain significance (2); Likely benign (1). Last evaluated 2026-01-26.

Allele frequency attached by ClinVar (database versions not stated): gnomAD 0.00001; ExAC 0.00002; TOPMed 0.00002; gnomAD exomes 0.00003.
gnomAD v4.1: 133 of 1,602,330 alleles (0.0083%); highest among the groups gnomAD compares: Non-Finnish European, 0.011%; no homozygotes.

Submissions (3):

Labcorp Genetics (formerly Invitae), Labcorp
Classification: Likely benign. Last evaluated: 2026-01-26. Review status: criteria provided, single submitter. Criteria: Invitae Variant Classification Sherloc (09022015). Collection method: clinical testing. Allele origin: germline.

GeneDx
Classification: Uncertain significance. Last evaluated: 2024-09-01. Review status: criteria provided, single submitter. Criteria: GeneDx Variant Classification Process June 2021. Collection method: clinical testing. Allele origin: germline. Affected: yes.
Comment: Has not been previously published as pathogenic or benign to our knowledge; In silico analysis supports that this missense variant has a deleterious effect on protein structure/function

Blueprint Genetics
Classification: Uncertain significance. Last evaluated: 2021-03-12. Review status: criteria provided, single submitter. Criteria: ACMG Guidelines, 2015. Collection method: clinical testing. Allele origin: germline.

NM_080680.3(COL11A2):c.3326C>A (p.Pro1109His)

Gene: COL11A2 (collagen type XI alpha 2 chain; minus strand). Cytogenetic location: 6p21.32.
Variant type: single nucleotide variant.
Coding change: c.3326C>A on transcript NM_080680.3 (MANE Select); coding-DNA position 3326, C replaced by A.
Protein change: p.Pro1109His; replaces proline 1109 with histidine.
Molecular consequence: missense variant.
Genome position (GRCh38, 1-based): chr6:33,171,154, G>T on the plus strand (C>A on the coding strand, the complement: COL11A2 is on the minus strand). VCF-style: chr6-33171154-G-T. GRCh37 (hg19) VCF-style: chr6-33138931-G-T.
Other names: c.3005C>A, p.Pro1002His (NM_080679.3); c.3068C>A, p.Pro1023His (NM_080681.3); short protein forms P1002H, P1023H, P1109H.
Identifiers: ClinVar variation 1206690 (VCV001206690.11), dbSNP rs751465004, ClinGen allele CA3750553.